The following is an entry in ClinVar:

ClinVar aggregate classification (germline): Uncertain significance (1 of 4 stars; one submission).

Submission:

Clinical Genomics Laboratory, Laboratory for Precision Diagnostics, University of Washington
Classification: Uncertain significance. Last evaluated: 2019-06-06. Review status: criteria provided, single submitter. Criteria: Clinical Cytogenomics Laboratory Policy on CNV Interpretation. Collection method: clinical testing. Allele origin: unknown. Affected: yes. Observed: 1 variant allele.

GRCh37/hg19 4q22.3(chr4:96376995-96828109)x1

Genes: PDHA2 (pyruvate dehydrogenase E1 subunit alpha 2; plus strand), UNC5C (unc-5 netrin receptor C; minus strand). Cytogenetic location: 4q22.3.
Variant type: copy number loss.
Change: copy number 1 (one copy instead of two) of chr4:96,376,995-96,828,109 (451.1 kb, GRCh37 coordinates, 1-based), cytogenetic band 4q22.3.
Identifiers: ClinVar variation 929389 (VCV000929389.2).